The following is an entry in ClinVar:

NM_006346.4(PIBF1):c.1035A>G (p.Gln345=)

Gene: PIBF1 (progesterone immunomodulatory binding factor 1; plus strand). Cytogenetic location: 13q22.1.
Variant type: single nucleotide variant.
Coding change: c.1035A>G on transcript NM_006346.4 (MANE Select); coding-DNA position 1035, A replaced by G.
Protein change: p.Gln345=; no amino-acid change (glutamine 345 retained).
Molecular consequence: synonymous variant. On other transcripts: non-coding transcript variant (2).
Genome position (GRCh38, 1-based): chr13:72,827,852, A>G. VCF-style: chr13-72827852-A-G. GRCh37 (hg19) VCF-style: chr13-73401990-A-G.
Other names: c.1035A>G, p.Gln345= (NM_001349655.2).
Identifiers: ClinVar variation 3032430 (VCV003032430.2), dbSNP rs199857463, ClinGen allele CA7002121.

ClinVar aggregate classification (germline): Likely benign (0 of 4 stars; one submission).

Conditions:
PIBF1-related disorder. Also called: PIBF1-related condition.

Allele frequency attached by ClinVar (database versions not stated): gnomAD 0.00002; ESP Exome Variant Server 0.00015.
gnomAD v4.1: 51 of 1,595,104 alleles (0.0032%); highest among the groups gnomAD compares: Non-Finnish European, 0.0039%; no homozygotes.

Submission:

PreventionGenetics, part of Exact Sciences
Classification: Likely benign for PIBF1-related condition. Last evaluated: 2023-03-26. Review status: no assertion criteria provided. Collection method: clinical testing. Allele origin: germline.
Comment: This variant is classified as likely benign based on ACMG/AMP sequence variant interpretation guidelines (Richards et al. 2015 PMID: 25741868, with internal and published modifications).